The following is an entry in ClinVar:

ClinVar aggregate classification (germline): Uncertain significance (1 of 4 stars; one submission).

Submission:

Ambry Genetics
Classification: Uncertain significance. Last evaluated: 2024-09-30. Review status: criteria provided, single submitter. Criteria: Ambry Variant Classification Scheme 2023. Collection method: clinical testing. Allele origin: germline.
Comment: The p.R1152P variant (also known as c.3455G>C), located in coding exon 3 of the MLH3 gene, results from a G to C substitution at nucleotide position 3455. The arginine at codon 1152 is replaced by proline, an amino acid with dissimilar properties. This amino acid position is conserved. In addition, this alteration is predicted to be deleterious by in silico analysis. The evidence for this gene-disease relationship is limited; therefore, the clinical significance of this alteration is unclear.

NM_001040108.2(MLH3):c.3455G>C (p.Arg1152Pro)

Gene: MLH3 (mutL homolog 3; minus strand). Cytogenetic location: 14q24.3.
Variant type: single nucleotide variant.
Coding change: c.3455G>C on transcript NM_001040108.2 (MANE Select); coding-DNA position 3455, G replaced by C.
Protein change: p.Arg1152Pro; replaces arginine 1152 with proline.
Molecular consequence: missense variant.
Genome position (GRCh38, 1-based): chr14:75,041,625, C>G on the plus strand (G>C on the coding strand, the complement: MLH3 is on the minus strand). VCF-style: chr14-75041625-C-G. GRCh37 (hg19) VCF-style: chr14-75508328-C-G.
Other names: c.3455G>C, p.Arg1152Pro (NM_014381.3); short protein forms R1152P.
Identifiers: ClinVar variation 3396645 (VCV003396645.1).